The following is an entry in ClinVar:

NM_000257.4(MYH7):c.5353A>G (p.Asn1785Asp)

Gene: MYH7 (myosin heavy chain 7; minus strand). Cytogenetic location: 14q11.2.
Variant type: single nucleotide variant.
Coding change: c.5353A>G on transcript NM_000257.4 (MANE Select); coding-DNA position 5353, A replaced by G.
Protein change: p.Asn1785Asp; replaces asparagine 1785 with aspartic acid.
Molecular consequence: missense variant.
Genome position (GRCh38, 1-based): chr14:23,415,201, T>C on the plus strand (A>G on the coding strand, the complement: MYH7 is on the minus strand). VCF-style: chr14-23415201-T-C. GRCh37 (hg19) VCF-style: chr14-23884410-T-C.
Other names: c.5353A>G, p.Asn1785Asp (NM_001407004.1); short protein forms N1785D.
Identifiers: ClinVar variation 2811336 (VCV002811336.3), dbSNP rs2502239549, ClinGen allele CA389035750.

ClinVar aggregate classification (germline): Uncertain significance (1 of 4 stars; one submission).

Conditions:
Hypertrophic cardiomyopathy. Also called: HYPERTROPHIC MYOCARDIOPATHY. Identifiers: Orphanet 217569, MedGen C0007194, MeSH D002312, MONDO:0005045, HP:0001639.

Submission:

Labcorp Genetics (formerly Invitae), Labcorp
Classification: Uncertain significance for Hypertrophic cardiomyopathy. Last evaluated: 2022-11-01. Review status: criteria provided, single submitter. Criteria: Invitae Variant Classification Sherloc (09022015). Collection method: clinical testing. Allele origin: germline.
Comment: This sequence change replaces asparagine, which is neutral and polar, with aspartic acid, which is acidic and polar, at codon 1785 of the MYH7 protein (p.Asn1785Asp). This variant is not present in population databases (gnomAD no frequency). In summary, the available evidence is currently insufficient to determine the role of this variant in disease. Therefore, it has been classified as a Variant of Uncertain Significance. Advanced modeling of protein sequence and biophysical properties (such as structural, functional, and spatial information, amino acid conservation, physicochemical variation, residue mobility, and thermodynamic stability) performed at Invitae indicates that this missense variant is expected to disrupt MYH7 protein function. This variant has not been reported in the literature in individuals affected with MYH7-related conditions.